The following is an entry in ClinVar:

ClinVar aggregate classification (germline): Conflicting classifications of pathogenicity. Review status: criteria provided, conflicting classifications (1 of 4 stars). 6 submissions from 6 submitters: Pathogenic (5); Uncertain significance (1). Last evaluated 2024-04-30.

Conditions:
Hearing impairment. Also called: Impaired Hearing. Identifiers: MedGen C1384666, MONDO:0005365, HP:0000365.
Autosomal recessive nonsyndromic hearing loss 7. Also called: DEAFNESS, AUTOSOMAL RECESSIVE 11. Identifiers: Orphanet 90636, MedGen C1832978, MONDO:0010967, OMIM 600974.
Nonsyndromic genetic hearing loss. Also called: Nonsyndromic genetic deafness; Nonsyndromic hearing loss and deafness; Non-syndromic genetic deafness. Identifiers: Orphanet 87884, MedGen C5680182, MONDO:0019497.
Autosomal dominant nonsyndromic hearing loss 36. Identifiers: Orphanet 90635, MedGen C1847626, MONDO:0011708, OMIM 606705.

Allele frequency attached by ClinVar (database versions not stated): gnomAD exomes 0.00001 and 0.00002; TOPMed 0.00002; ExAC 0.00003.
gnomAD v4.1: 16 of 1,613,844 alleles (0.00099%); highest among the groups gnomAD compares: East Asian, 0.0022%; no homozygotes.

Submissions (6):

Fulgent Genetics
Classification: Pathogenic for Autosomal recessive nonsyndromic hearing loss 7; Autosomal dominant nonsyndromic hearing loss 36. Last evaluated: 2024-04-30. Review status: criteria provided, single submitter. Criteria: ACMG Guidelines, 2015. Collection method: clinical testing. Allele origin: germline.

Women's Health and Genetics/Laboratory Corporation of America, LabCorp
Classification: Pathogenic for Nonsyndromic genetic hearing loss. Last evaluated: 2024-04-19. Review status: criteria provided, single submitter. Criteria: LabCorp Variant Classification Summary - May 2015. Collection method: clinical testing. Allele origin: germline.
Comment: Variant summary: TMC1 c.821C>T (p.Pro274Leu) results in a non-conservative amino acid change in the encoded protein sequence. Five of five in-silico tools predict a damaging effect of the variant on protein function. The variant allele was found at a frequency of 1.6e-05 in 251384 control chromosomes (gnomAD). c.821C>T has been reported in the literature in several homozygous individuals affected with Nonsyndromic Hearing Loss And Deafness, Type 7 (e.g. Kalay_2005). These data indicate that the variant is very likely to be associated with disease. ClinVar contains an entry for this variant (Variation ID: 1172666). Based on the evidence outlined above, the variant was classified as pathogenic.

Labcorp Genetics (formerly Invitae), Labcorp
Classification: Pathogenic. Last evaluated: 2023-10-22. Review status: criteria provided, single submitter. Criteria: Invitae Variant Classification Sherloc (09022015). Collection method: clinical testing. Allele origin: germline.
Comment: This sequence change replaces proline, which is neutral and non-polar, with leucine, which is neutral and non-polar, at codon 274 of the TMC1 protein (p.Pro274Leu). This variant is present in population databases (rs755694066, gnomAD 0.01%). This missense change has been observed in individual(s) with autosomal recessive deafness (PMID: 16287143). It has also been observed to segregate with disease in related individuals. ClinVar contains an entry for this variant (Variation ID: 1172666). Advanced modeling of protein sequence and biophysical properties (such as structural, functional, and spatial information, amino acid conservation, physicochemical variation, residue mobility, and thermodynamic stability) performed at Invitae indicates that this missense variant is expected to disrupt TMC1 protein function. For these reasons, this variant has been classified as Pathogenic.

Genome-Nilou Lab
Classification: Pathogenic for Autosomal recessive nonsyndromic hearing loss 7. Last evaluated: 2021-07-30. Review status: criteria provided, single submitter. Criteria: ACMG Guidelines, 2015. Collection method: clinical testing. Allele origin: germline. Affected: yes.

GeneDx
Classification: Uncertain significance. Last evaluated: 2021-06-28. Review status: criteria provided, single submitter. Criteria: GeneDx Variant Classification Process June 2021. Collection method: clinical testing. Allele origin: germline. Affected: yes.
Comment: In silico analysis supports that this missense variant has a deleterious effect on protein structure/function; This variant is associated with the following publications: (PMID: 16287143, 19187973, 24933710, 18616530, 26226225, 27535533)

Equipe Genetique des Anomalies du Developpement, Université de Bourgogne
Classification: Pathogenic for Hearing impairment. Review status: criteria provided, single submitter. Criteria: ACMG Guidelines, 2015. Collection method: clinical testing. Allele origin: maternal. Affected: yes.

Literature cited by the submitters: PubMed 16287143 (cited by Women's Health and Genetics/Laboratory Corporation of America, LabCorp and Labcorp Genetics (formerly Invitae), Labcorp).

NM_138691.3(TMC1):c.821C>T (p.Pro274Leu)

Gene: TMC1 (transmembrane channel like 1; plus strand). Cytogenetic location: 9q21.13.
Variant type: single nucleotide variant.
Coding change: c.821C>T on transcript NM_138691.3 (MANE Select); coding-DNA position 821, C replaced by T.
Protein change: p.Pro274Leu; replaces proline 274 with leucine.
Molecular consequence: missense variant.
Genome position (GRCh38, 1-based): chr9:72,772,492, C>T. VCF-style: chr9-72772492-C-T. GRCh37 (hg19) VCF-style: chr9-75387408-C-T.
Other names: short protein forms P274L.
Identifiers: ClinVar variation 1172666 (VCV001172666.12), dbSNP rs755694066, ClinGen allele CA5081794.
Genomic context (GRCh38, chr9:72,772,492, plus strand): 5'-TTCTCTTTTATGGCTATTATGACAATAAACGAACAATTGGATGGATGAATTTCAGGTTGC[C>T]GCTCTCCTATTTTCTAGTGGGGATTATGTGCATTGGATACAGCTTTCTGGTTGTCCTCAA-3'
Protein context (NP_619636.2, residues 264-284): RTIGWMNFRL[Pro274Leu]LSYFLVGIMC